The following is an entry in ClinVar:

NM_001378454.1(ALMS1):c.6799A>T (p.Met2267Leu)

Gene: ALMS1 (ALMS1 centrosome and basal body associated protein; plus strand). Cytogenetic location: 2p13.1.
Variant type: single nucleotide variant.
Coding change: c.6799A>T on transcript NM_001378454.1 (MANE Select); coding-DNA position 6799, A replaced by T.
Protein change: p.Met2267Leu; replaces methionine 2267 with leucine.
Molecular consequence: missense variant.
Genome position (GRCh38, 1-based): chr2:73,453,326, A>T. VCF-style: chr2-73453326-A-T. GRCh37 (hg19) VCF-style: chr2-73680453-A-T.
Other names: c.6802A>T, p.Met2268Leu (NM_015120.4); short protein forms M2267L, M2268L.
Identifiers: ClinVar variation 1803828 (VCV001803828.4), dbSNP rs142904692, ClinGen allele CA1714127.

ClinVar aggregate classification (germline): Uncertain significance. Review status: criteria provided, multiple submitters, no conflicts (2 of 4 stars). 3 submissions from 3 submitters: Uncertain significance (3). Last evaluated 2026-07-01.

Conditions:
Alstrom syndrome (ALMS). Identifiers: Orphanet 64, MedGen C0268425, MONDO:0008763, OMIM 203800.

gnomAD v4.1: 16 of 1,613,948 alleles (0.00099%); highest among the groups gnomAD compares: South Asian, 0.011%; no homozygotes.

Submissions (3):

CeGaT Center for Human Genetics Tuebingen
Classification: Uncertain significance. Last evaluated: 2026-07-01. Review status: criteria provided, single submitter. Criteria: CeGaT Center For Human Genetics Tuebingen Variant Classification Criteria Version 2. Collection method: clinical testing. Allele origin: germline. Affected: yes. Observed: 1 variant allele.
Comment: ALMS1: PM2, BP4

Labcorp Genetics (formerly Invitae), Labcorp
Classification: Uncertain significance for Alstrom syndrome. Last evaluated: 2022-05-22. Review status: criteria provided, single submitter. Criteria: Invitae Variant Classification Sherloc (09022015). Collection method: clinical testing. Allele origin: germline.
Comment: This sequence change replaces methionine, which is neutral and non-polar, with leucine, which is neutral and non-polar, at codon 2268 of the ALMS1 protein (p.Met2268Leu). This variant is present in population databases (rs142904692, gnomAD 0.01%). This variant has not been reported in the literature in individuals affected with ALMS1-related conditions. Experimental studies and prediction algorithms are not available or were not evaluated, and the functional significance of this variant is currently unknown. In summary, the available evidence is currently insufficient to determine the role of this variant in disease. Therefore, it has been classified as a Variant of Uncertain Significance.

New York Genome Center
Classification: Uncertain significance for Alstrom syndrome. Last evaluated: 2020-11-10. Review status: criteria provided, single submitter. Criteria: NYGC Assertion Criteria 2020. Collection method: clinical testing. Allele origin: germline. Observed: 1 variant allele.
Comment: The c.6802A>T (p.Met2268Leu) variant identified in the ALMS1 gene substitutes a conserved Methionine for Leucine at amino acid 2268/4169 (exon 8/23). This variant is absent from gnomAD(v3.0) suggesting it is not a common benign variant in the populations represented in that database. In silico algorithms predict this variant to be Tolerated (SIFT; score:0.181) and Benign (REVEL; score:0.116) to the function of the canonical transcript. This variant is absent from ClinVar and to our current knowledge has not been reported in affected individuals in the literature. The p.Met2268 residue is not within a mapped domain of ALMS1 (UniProtKB:Q8TCU4). Given the lack of compelling evidence for its pathogenicity, the c.6802A>T (p.Met2268Leu) variant identified in the ALMS1 gene is reported as a Variant of Uncertain Significance.